The following is an entry in ClinVar:

NM_001267550.2(TTN):c.71869del (p.Thr23957fs)

Genes: TTN (titin; minus strand), TTN-AS1 (TTN antisense RNA 1; plus strand). Cytogenetic location: 2q31.2.
Variant type: Deletion.
Coding change: c.71869del on transcript NM_001267550.2 (MANE Select); coding-DNA position 71869, one base deleted (A; older notation c.71869delA).
Protein change: p.Thr23957fs; shifts the reading frame from threonine 23957.
Molecular consequence: frameshift variant.
Genome position (GRCh38, 1-based): chr2:178,574,263, T deleted on the plus strand (A on the coding strand, the reverse complement: TTN is on the minus strand). VCF-style (leftmost placement, unchanged base first): chr2-178574262-GT-G. GRCh37 (hg19) VCF-style: chr2-179438989-GT-G.
Other names: c.66946del, p.Thr22316fs (NM_001256850.1); c.44674del, p.Thr14892fs (NM_003319.4); c.64165del, p.Thr21389fs (NM_133378.4); c.45049del, p.Thr15017fs (NM_133432.3); c.45250del, p.Thr15084fs (NM_133437.4); short protein forms T15084fs, T21389fs, T22316fs, T14892fs, T15017fs, T23957fs.
Identifiers: ClinVar variation 2943323 (VCV002943323.3), dbSNP rs2468622241, ClinGen allele CA2740096019.
Genomic context (GRCh38, chr2:178,574,262, plus strand): 5'-CTGAAGTTGGCCTTCAGCCACCGTCCATTAGGAAGGTCTCTCTTTTCAACGATATAACTG[GT>G]AATTTTAAAGCCCCCAGTATATTCAGGCTTAGCCCATTTAAGTGTTACTGTGTGTCTTGT-3'

ClinVar aggregate classification (germline): Likely pathogenic (1 of 4 stars; one submission).

Conditions:
Dilated cardiomyopathy 1G (CMD1G). Identifiers: Orphanet 154, MedGen C1858763, MONDO:0011400, OMIM 604145.
Autosomal recessive limb-girdle muscular dystrophy type 2J (LGMDR10). Also called: MUSCULAR DYSTROPHY, LIMB-GIRDLE, AUTOSOMAL RECESSIVE 10; Limb-girdle muscular dystrophy, type 2J. Identifiers: Orphanet 140922, MedGen C1837342, MONDO:0012127, OMIM 608807.

Submission:

Labcorp Genetics (formerly Invitae), Labcorp
Classification: Likely pathogenic for Dilated cardiomyopathy 1G; Autosomal recessive limb-girdle muscular dystrophy type 2J. Last evaluated: 2025-03-09. Review status: criteria provided, single submitter. Criteria: Invitae Variant Classification Sherloc (09022015). Collection method: clinical testing. Allele origin: germline.
Comment: This sequence change creates a premature translational stop signal (p.Thr23957Profs*16) in the TTN gene. While this is not anticipated to result in nonsense mediated decay, it is expected to create a truncated TTN protein. This variant is not present in population databases (gnomAD no frequency). This variant has not been reported in the literature in individuals affected with TTN-related conditions. ClinVar contains an entry for this variant (Variation ID: 2943323). This variant is located in the A band of TTN (PMID: 25589632). Truncating variants in this region are significantly overrepresented in patients affected with dilated cardiomyopathy (PMID: 25589632). Truncating variants in this region have also been reported in individuals affected with autosomal recessive centronuclear myopathy (PMID: 23975875). In summary, the currently available evidence indicates that the variant is pathogenic, but additional data are needed to prove that conclusively. Therefore, this variant has been classified as Likely Pathogenic.

Literature cited by the submitters: PubMed 25589632; PubMed 23975875.